The following is an entry in ClinVar:

ClinVar aggregate classification (germline): Uncertain significance (1 of 4 stars; one submission).

Allele frequency attached by ClinVar (database versions not stated): TOPMed below 0.00001; ExAC 0.00001; gnomAD exomes 0.00001.

Submission:

Labcorp Genetics (formerly Invitae), Labcorp
Classification: Uncertain significance. Last evaluated: 2023-08-09. Review status: criteria provided, single submitter. Criteria: Invitae Variant Classification Sherloc (09022015). Collection method: clinical testing. Allele origin: germline.
Comment: In summary, the available evidence is currently insufficient to determine the role of this variant in disease. Therefore, it has been classified as a Variant of Uncertain Significance. Advanced modeling of protein sequence and biophysical properties (such as structural, functional, and spatial information, amino acid conservation, physicochemical variation, residue mobility, and thermodynamic stability) performed at Invitae indicates that this missense variant is not expected to disrupt LEMD3 protein function. This variant has not been reported in the literature in individuals affected with LEMD3-related conditions. This variant is present in population databases (rs748918240, gnomAD 0.005%). This sequence change replaces alanine, which is neutral and non-polar, with valine, which is neutral and non-polar, at codon 323 of the LEMD3 protein (p.Ala323Val).

NM_014319.5(LEMD3):c.968C>T (p.Ala323Val)

Gene: LEMD3 (LEM domain containing 3; plus strand). Cytogenetic location: 12q14.3.
Variant type: single nucleotide variant.
Coding change: c.968C>T on transcript NM_014319.5 (MANE Select); coding-DNA position 968, C replaced by T.
Protein change: p.Ala323Val; replaces alanine 323 with valine.
Molecular consequence: missense variant.
Genome position (GRCh38, 1-based): chr12:65,170,564, C>T. VCF-style: chr12-65170564-C-T. GRCh37 (hg19) VCF-style: chr12-65564344-C-T.
Other names: c.968C>T, p.Ala323Val (NM_001167614.2); short protein forms A323V.
Identifiers: ClinVar variation 2787348 (VCV002787348.3), dbSNP rs748918240, ClinGen allele CA6670814.